The following is an entry in ClinVar:

NM_015506.3(MMACHC):c.685C>T (p.Gln229Ter)

Genes: MMACHC (metabolism of cobalamin associated C; plus strand), LOC129930446 (ATAC-STARR-seq lymphoblastoid active region 972; plus strand). Cytogenetic location: 1p34.1.
Variant type: single nucleotide variant.
Coding change: c.685C>T on transcript NM_015506.3 (MANE Select); coding-DNA position 685, C replaced by T.
Protein change: p.Gln229Ter; replaces glutamine 229 with a stop codon.
Molecular consequence: nonsense.
Genome position (GRCh38, 1-based): chr1:45,509,051, C>T. VCF-style: chr1-45509051-C-T. GRCh37 (hg19) VCF-style: chr1-45974723-C-T.
Other names: c.514C>T, p.Gln172Ter (NM_001330540.2); c.685C>T (NM_015506.2); short protein forms Q172*, Q229*.
Identifiers: ClinVar variation 2445735 (VCV002445735.2), dbSNP rs770084300, ClinGen allele CA827830.

ClinVar aggregate classification (germline): Likely pathogenic. Review status: criteria provided, multiple submitters, no conflicts (2 of 4 stars). 2 submissions from 2 submitters: Likely pathogenic (2). Last evaluated 2023-02-01.

Conditions:
Cobalamin C disease. Also called: Methylmalonic aciduria with homocystinuria cblC type; Cobalamin-C methylmalonic acidemia and homocystinuria; Methylmalonic acidemia and homocystinuria cblC type; methylmalonic aciduria and homocystinuria type cblC; Methylmalonic aciduria and homocystinuria, Vitamin B12-responsive; Vitamin B12 metabolic defect with combined deficiency of methylmalonyl-CoA mutase and homocysteine:methyltetrahydrofolate methyltransferase. Identifiers: Orphanet 26, Orphanet 79282, MedGen C1848561, MONDO:0010184, OMIM 277400.

Allele frequency attached by ClinVar (database versions not stated): gnomAD exomes below 0.00001; ExAC 0.00001.
gnomAD v4.1: 3 of 1,614,044 alleles (0.00019%); highest among the groups gnomAD compares: Middle Eastern, 0.033%; no homozygotes.

Submissions (2):

Women's Health and Genetics/Laboratory Corporation of America, LabCorp
Classification: Likely pathogenic for Cobalamin C disease. Last evaluated: 2023-02-01. Review status: criteria provided, single submitter. Criteria: LabCorp Variant Classification Summary - May 2015. Collection method: clinical testing. Allele origin: germline.
Comment: Variant summary: MMACHC c.685C>T (p.Gln229X) results in a premature termination codon, predicted to cause a truncation of the encoded protein or absence of the protein due to nonsense mediated decay, which are commonly known mechanisms for disease. Truncations downstream of this position have been reported in HGMD in association with Methylmalonic aciduria & homocystinuria, cblC type. The variant allele was found at a frequency of 8e-06 in 249140 control chromosomes. To our knowledge, no occurrence of c.685C>T in individuals affected with Methylmalonic Acidemia With Homocystinuria and no experimental evidence demonstrating its impact on protein function have been reported. No clinical diagnostic laboratories have submitted clinical-significance assessments for this variant to ClinVar after 2014. Based on the evidence outlined above, the variant was classified as likely pathogenic.

Baylor Genetics
Classification: Likely pathogenic for Cobalamin C disease. Last evaluated: 2022-04-09. Review status: criteria provided, single submitter. Criteria: ACMG Guidelines, 2015. Collection method: clinical testing. Allele origin: unknown.